The following is an entry in ClinVar:

NM_001620.3(AHNAK):c.16318G>A (p.Val5440Met)

Gene: AHNAK (AHNAK nucleoprotein; minus strand). Cytogenetic location: 11q12.3.
Variant type: single nucleotide variant.
Coding change: c.16318G>A on transcript NM_001620.3 (MANE Select); coding-DNA position 16318, G replaced by A.
Protein change: p.Val5440Met; replaces valine 5440 with methionine.
Molecular consequence: missense variant. On other transcripts: intron variant (1).
Genome position (GRCh38, 1-based): chr11:62,518,099, C>T on the plus strand (G>A on the coding strand, the complement: AHNAK is on the minus strand). VCF-style: chr11-62518099-C-T. GRCh37 (hg19) VCF-style: chr11-62285571-C-T.
Other names: c.16318G>A, p.Val5440Met (NM_001346445.2, NM_001346446.2); c.342+16904G>A (NM_024060.4); short protein forms V5440M.
Identifiers: ClinVar variation 774895 (VCV000774895.28), dbSNP rs112663036, ClinGen allele CA6043885.

ClinVar aggregate classification (germline): Benign/Likely benign. Review status: criteria provided, multiple submitters, no conflicts (2 of 4 stars). 3 submissions from 3 submitters: Benign (2); Likely benign (1). Last evaluated 2024-07-01.

Allele frequency attached by ClinVar (database versions not stated): 1000 Genomes Project 30x 0.00156; 1000 Genomes Project 0.00160; gnomAD 0.00416 and 0.00419; TOPMed 0.00421; ExAC 0.00422; gnomAD exomes 0.00424 and 0.00675; ESP Exome Variant Server 0.00438.
gnomAD v4.1: 10,429 of 1,614,222 alleles (0.65%); highest among the groups gnomAD compares: Non-Finnish European, 0.8%; 41 homozygotes.

Submissions (3):

CeGaT Center for Human Genetics Tuebingen
Classification: Likely benign. Last evaluated: 2024-07-01. Review status: criteria provided, single submitter. Criteria: CeGaT Center For Human Genetics Tuebingen Variant Classification Criteria Version 2. Collection method: clinical testing. Allele origin: germline. Affected: yes. Observed: 2 variant alleles.
Comment: AHNAK: BP4, BS2

Labcorp Genetics (formerly Invitae), Labcorp
Classification: Benign. Last evaluated: 2018-08-07. Review status: criteria provided, single submitter. Criteria: Invitae Variant Classification Sherloc (09022015). Collection method: clinical testing. Allele origin: germline.

Breakthrough Genomics
Classification: Benign. Review status: criteria provided, single submitter. Criteria: ACMG Guidelines, 2015. Collection method: not provided. Allele origin: germline. Inheritance: Unknown mechanism. Affected: yes.